The following is an entry in ClinVar:

ClinVar aggregate classification (germline): Conflicting classifications of pathogenicity. Review status: criteria provided, conflicting classifications (1 of 4 stars). 2 submissions from 2 submitters: Uncertain significance (1); Likely benign (1). Last evaluated 2026-06-02.

Conditions:
Inborn genetic diseases. Identifiers: MedGen C0950123, MeSH D030342.
Cowden syndrome (CS). Also called: Cowden's disease; Cowden's syndrome; Cowden disease. Identifiers: Orphanet 201, MedGen C0018553, MONDO:0016063. Disease mechanism: gain of function.

gnomAD v4.1: 1 of 1,603,622 alleles (0.000062%); highest among the groups gnomAD compares: Admixed American, 0.0017%; no homozygotes.

Submissions (2):

Ambry Genetics
Classification: Likely benign for Inborn genetic diseases. Last evaluated: 2026-06-02. Review status: criteria provided, single submitter. Criteria: Ambry Variant Classification Scheme 2023. Collection method: clinical testing. Allele origin: germline.

Labcorp Genetics (formerly Invitae), Labcorp
Classification: Uncertain significance for Cowden syndrome. Last evaluated: 2018-03-28. Review status: criteria provided, single submitter. Criteria: Invitae Variant Classification Sherloc (09022015). Collection method: clinical testing. Allele origin: germline.
Comment: Algorithms developed to predict the effect of sequence changes on RNA splicing suggest that this variant may disrupt the consensus splice site, but this prediction has not been confirmed by published transcriptional studies. In summary, the available evidence is currently insufficient to determine the role of this variant in disease. Therefore, it has been classified as a Variant of Uncertain Significance. This variant has not been reported in the literature in individuals with PIK3CA-related disease. This variant is not present in population databases (ExAC no frequency). This sequence change affects codon 889 of the PIK3CA mRNA. It is a 'silent' change, meaning that it does not change the encoded amino acid sequence of the PIK3CA protein.

NM_006218.4(PIK3CA):c.2667A>T (p.Ile889=)

Gene: PIK3CA (phosphatidylinositol-4,5-bisphosphate 3-kinase catalytic subunit alpha; plus strand). Cytogenetic location: 3q26.32.
Variant type: single nucleotide variant.
Coding change: c.2667A>T on transcript NM_006218.4 (MANE Select); coding-DNA position 2667, A replaced by T.
Protein change: p.Ile889=; no amino-acid change (isoleucine 889 retained).
Molecular consequence: synonymous variant.
Genome position (GRCh38, 1-based): chr3:179,230,004, A>T. VCF-style: chr3-179230004-A-T. GRCh37 (hg19) VCF-style: chr3-178947792-A-T.
Other names: c.2667A>T (NM_006218.2).
Identifiers: ClinVar variation 1040039 (VCV001040039.8), dbSNP rs17849078, ClinGen allele CA437037925.
Genomic context (GRCh38, chr3:179,230,004, plus strand): 5'-CTCAAGTTGGCCTGAATCACTATATTTCCATACTACTCATGAGGTGTTTATTCTTTGTAG[A>T]TATGATGCAGCCATTGACCTGTTTACACGTTCATGTGCTGGATACTGTGTAGCTACCTTC-3'
Protein context (NP_006209.2, residues 879-899): QWLKDKNKGE[Ile889=]YDAAIDLFTR